The following is an entry in ClinVar:

ClinVar aggregate classification (germline): Uncertain significance (1 of 4 stars; one submission).

Conditions:
Inborn genetic diseases. Identifiers: MedGen C0950123, MeSH D030342.

gnomAD v4.1: 1 of 1,612,350 alleles (0.000062%); highest among the groups gnomAD compares: African/African-American, 0.0013%; no homozygotes.

Submission:

Ambry Genetics
Classification: Uncertain significance for Inborn genetic diseases. Last evaluated: 2025-03-20. Review status: criteria provided, single submitter. Criteria: Ambry Variant Classification Scheme 2023. Collection method: clinical testing. Allele origin: germline.
Comment: The p.G1235A variant (also known as c.3704G>C), located in coding exon 33 of the RTEL1 gene, results from a G to C substitution at nucleotide position 3704. The glycine at codon 1235 is replaced by alanine, an amino acid with similar properties. This amino acid position is conserved. In addition, this alteration is predicted to be tolerated by in silico analysis. Based on the available evidence, the clinical significance of this variant remains unclear.

NM_001283009.2(RTEL1):c.3704G>C (p.Gly1235Ala)

Genes: RTEL1 (regulator of telomere elongation helicase 1; plus strand), RTEL1-TNFRSF6B (RTEL1-TNFRSF6B readthrough (NMD candidate); plus strand). Cytogenetic location: 20q13.33.
Variant type: single nucleotide variant.
Coding change: c.3704G>C on transcript NM_001283009.2 (MANE Select); coding-DNA position 3704, G replaced by C.
Protein change: p.Gly1235Ala; replaces glycine 1235 with alanine.
Molecular consequence: missense variant. On other transcripts: non-coding transcript variant (1), intron variant (3).
Genome position (GRCh38, 1-based): chr20:63,695,532, G>C. VCF-style: chr20-63695532-G-C. GRCh37 (hg19) VCF-style: chr20-62326885-G-C.
Other names: c.2983+52G>C (NM_001283010.1); c.3724+52G>C (NM_032957.5); c.3652+52G>C (NM_016434.4); short protein forms G1235A.
Identifiers: ClinVar variation 3948230 (VCV003948230.1).